The following is an entry in ClinVar:

ClinVar aggregate classification (germline): Likely benign. Review status: criteria provided, multiple submitters, no conflicts (2 of 4 stars). 4 submissions from 4 submitters: Likely benign (4). Last evaluated 2025-08-18.

Conditions:
Familial thoracic aortic aneurysm and aortic dissection (TAAD). Also called: Thoracic aortic aneurysms and dissections. Identifiers: Orphanet 91387, MedGen C4707243, MONDO:0019625.
Aortic aneurysm, familial thoracic 4 (AAT4). Also called: AORTIC ANEURYSM/AORTIC DISSECTION AND PATENT DUCTUS ARTERIOSUS. Identifiers: MedGen C1851504, MONDO:0007568, OMIM 132900.

Allele frequency attached by ClinVar (database versions not stated): gnomAD exomes 0.00001 and 0.00002; TOPMed 0.00001.
gnomAD v4.1: 31 of 1,614,094 alleles (0.0019%); highest among the groups gnomAD compares: Non-Finnish European, 0.0025%; no homozygotes.

Submissions (4):

Labcorp Genetics (formerly Invitae), Labcorp
Classification: Likely benign for Aortic aneurysm, familial thoracic 4. Last evaluated: 2025-08-18. Review status: criteria provided, single submitter. Criteria: Invitae Variant Classification Sherloc (09022015). Collection method: clinical testing. Allele origin: germline.

All of Us Research Program, National Institutes of Health
Classification: Likely benign for Familial thoracic aortic aneurysm and aortic dissection. Last evaluated: 2023-12-01. Review status: criteria provided, single submitter. Criteria: ACMG Guidelines, 2015. Collection method: clinical testing. Allele origin: germline. Inheritance: Autosomal dominant inheritance. Observed: 3 variant alleles, 3 heterozygotes.
Comment: This study involves interpretation of variants in research participants for the purpose of population health screening. Participant phenotype was not available at the time of variant classification. Additional details can be found in publication PMID: 35346344, PMCID: PMC8962531

Ambry Genetics
Classification: Likely benign for Familial thoracic aortic aneurysm and aortic dissection. Last evaluated: 2023-07-07. Review status: criteria provided, single submitter. Criteria: Ambry Variant Classification Scheme 2023. Collection method: clinical testing. Allele origin: germline.

Color Diagnostics, LLC DBA Color Health
Classification: Likely benign for Familial thoracic aortic aneurysm and aortic dissection. Last evaluated: 2019-12-29. Review status: criteria provided, single submitter. Criteria: ACMG Guidelines, 2015. Collection method: clinical testing. Allele origin: germline.

NM_002474.3(MYH11):c.2445C>T (p.Ala815=)

Gene: MYH11 (myosin heavy chain 11; minus strand). Cytogenetic location: 16p13.11.
Variant type: single nucleotide variant.
Coding change: c.2445C>T on transcript NM_002474.3 (MANE Select); coding-DNA position 2445, C replaced by T.
Protein change: p.Ala815=; no amino-acid change (alanine 815 retained).
Molecular consequence: synonymous variant.
Genome position (GRCh38, 1-based): chr16:15,745,204, G>A on the plus strand (C>T on the coding strand, the complement: MYH11 is on the minus strand). VCF-style: chr16-15745204-G-A. GRCh37 (hg19) VCF-style: chr16-15839061-G-A.
Other names: c.2466C>T, p.Ala822= (NM_001040113.2, NM_001040114.2); c.2445C>T, p.Ala815= (NM_022844.3); c.2445C>T (NM_002474.2).
Identifiers: ClinVar variation 413413 (VCV000413413.17), dbSNP rs1057513174, ClinGen allele CA16614594.